The following is an entry in ClinVar:

NM_206933.4(USH2A):c.15017C>A (p.Thr5006Lys)

Gene: USH2A (usherin; minus strand). Cytogenetic location: 1q41.
Variant type: single nucleotide variant.
Coding change: c.15017C>A on transcript NM_206933.4 (MANE Select); coding-DNA position 15017, C replaced by A.
Protein change: p.Thr5006Lys; replaces threonine 5006 with lysine.
Molecular consequence: missense variant.
Genome position (GRCh38, 1-based): chr1:215,639,190, G>T on the plus strand (C>A on the coding strand, the complement: USH2A is on the minus strand). VCF-style: chr1-215639190-G-T. GRCh37 (hg19) VCF-style: chr1-215812532-G-T.
Other names: short protein forms T5006K.
Identifiers: ClinVar variation 2734074 (VCV002734074.4), dbSNP rs757676723, ClinGen allele CA344826461.

ClinVar aggregate classification (germline): Conflicting classifications of pathogenicity. Review status: criteria provided, conflicting classifications (1 of 4 stars). 2 submissions from 2 submitters: Likely pathogenic (1); Uncertain significance (1). Last evaluated 2023-09-12.

Conditions:
USH2A-related disorder. Also called: USH2A-related disorders; USH2A-related condition. Identifiers: MedGen CN239332.

Submissions (2):

Labcorp Genetics (formerly Invitae), Labcorp
Classification: Uncertain significance. Last evaluated: 2023-09-12. Review status: criteria provided, single submitter. Criteria: Invitae Variant Classification Sherloc (09022015). Collection method: clinical testing. Allele origin: germline.
Comment: This sequence change replaces threonine, which is neutral and polar, with lysine, which is basic and polar, at codon 5006 of the USH2A protein (p.Thr5006Lys). This variant is not present in population databases (gnomAD no frequency). This missense change has been observed in individual(s) with Usher syndrome (PMID: 25412400). Advanced modeling of protein sequence and biophysical properties (such as structural, functional, and spatial information, amino acid conservation, physicochemical variation, residue mobility, and thermodynamic stability) has been performed at Invitae for this missense variant, however the output from this modeling did not meet the statistical confidence thresholds required to predict the impact of this variant on USH2A protein function. This variant disrupts the p.Thr5006 amino acid residue in USH2A. Other variant(s) that disrupt this residue have been determined to be pathogenic (PMID: 27460420, 27583663, 28944237, 35266249). This suggests that this residue is clinically significant, and that variants that disrupt this residue are likely to be disease-causing. In summary, the available evidence is currently insufficient to determine the role of this variant in disease. Therefore, it has been classified as a Variant of Uncertain Significance.

Blueprint Genetics
Classification: Likely pathogenic for USH2A-related disorders. Last evaluated: 2019-11-22. Review status: criteria provided, single submitter. Criteria: ACMG Guidelines, 2015. Collection method: clinical testing. Allele origin: germline. Affected: yes. Observed: 1 variant allele.

Literature cited by the submitters: PubMed 25412400 (cited by Labcorp Genetics (formerly Invitae), Labcorp); PubMed 27460420 (cited by Labcorp Genetics (formerly Invitae), Labcorp); PubMed 27583663 (cited by Labcorp Genetics (formerly Invitae), Labcorp); PubMed 28944237 (cited by Labcorp Genetics (formerly Invitae), Labcorp); PubMed 35266249 (cited by Labcorp Genetics (formerly Invitae), Labcorp).